The following is an entry in ClinVar:

NM_001543.5(NDST1):c.966C>T (p.Phe322=)

Gene: NDST1 (N-deacetylase and N-sulfotransferase 1; plus strand). Cytogenetic location: 5q33.1.
Variant type: single nucleotide variant.
Coding change: c.966C>T on transcript NM_001543.5 (MANE Select); coding-DNA position 966, C replaced by T.
Protein change: p.Phe322=; no amino-acid change (phenylalanine 322 retained).
Molecular consequence: synonymous variant.
Genome position (GRCh38, 1-based): chr5:150,528,256, C>T. VCF-style: chr5-150528256-C-T. GRCh37 (hg19) VCF-style: chr5-149907818-C-T.
Other names: c.966C>T, p.Phe322= (NM_001301063.2).
Identifiers: ClinVar variation 715605 (VCV000715605.11), dbSNP rs11959543, ClinGen allele CA3512525.

ClinVar aggregate classification (germline): Benign. Review status: criteria provided, single submitter (1 of 4 stars). 2 submissions from 2 submitters: Benign (1). 1 of the submissions does not count toward it. Last evaluated 2025-09-10.

Conditions:
NDST1-related disorder. Also called: NDST1-related condition.

Allele frequency attached by ClinVar (database versions not stated): gnomAD exomes 0.00047 and 0.00144; ExAC 0.00197; gnomAD 0.00522 and 0.00558; 1000 Genomes Project 30x 0.00531; 1000 Genomes Project 0.00539; TOPMed 0.00570; ESP Exome Variant Server 0.00738.
gnomAD v4.1: 1,496 of 1,608,642 alleles (0.093%); highest among the groups gnomAD compares: African/African-American, 1.7%; 14 homozygotes.

Submissions (2):

Labcorp Genetics (formerly Invitae), Labcorp
Classification: Benign. Last evaluated: 2025-09-10. Review status: criteria provided, single submitter. Criteria: Invitae Variant Classification Sherloc (09022015). Collection method: clinical testing. Allele origin: germline.

PreventionGenetics, part of Exact Sciences
Classification: Benign for NDST1-related condition. Last evaluated: 2019-06-26. Review status: no assertion criteria provided. Collection method: clinical testing. Allele origin: germline. Not counted in ClinVar's aggregate classification.
Comment: This variant is classified as benign based on ACMG/AMP sequence variant interpretation guidelines (Richards et al. 2015 PMID: 25741868, with internal and published modifications).